The following is an entry in ClinVar:

NM_013382.7(POMT2):c.1250A>G (p.Lys417Arg)

Gene: POMT2 (protein O-mannosyltransferase 2; minus strand). Cytogenetic location: 14q24.3.
Variant type: single nucleotide variant.
Coding change: c.1250A>G on transcript NM_013382.7 (MANE Select); coding-DNA position 1250, A replaced by G.
Protein change: p.Lys417Arg; replaces lysine 417 with arginine.
Molecular consequence: missense variant.
Genome position (GRCh38, 1-based): chr14:77,288,765, T>C on the plus strand (A>G on the coding strand, the complement: POMT2 is on the minus strand). VCF-style: chr14-77288765-T-C. GRCh37 (hg19) VCF-style: chr14-77755108-T-C.
Other names: short protein forms K417R.
Identifiers: ClinVar variation 260291 (VCV000260291.59), dbSNP rs147268052, ClinGen allele CA7285921.

ClinVar aggregate classification (germline): Conflicting classifications of pathogenicity. Review status: criteria provided, conflicting classifications (1 of 4 stars). 8 submissions from 8 submitters: Uncertain significance (7); Likely benign (1). Last evaluated 2025-02-12.

Conditions:
Inborn genetic diseases. Identifiers: MedGen C0950123, MeSH D030342.
Muscular dystrophy-dystroglycanopathy (congenital with brain and eye anomalies), type A2. Also called: MUSCULAR DYSTROPHY-DYSTROGLYCANOPATHY (CONGENITAL WITH BRAIN AND EYE ANOMALIES), TYPE A, 2; WALKER-WARBURG SYNDROME OR MUSCLE-EYE-BRAIN DISEASE, POMT2-RELATED. Identifiers: Orphanet 588, Orphanet 899, MedGen C3150411, MONDO:0013154, OMIM 613150.
Muscular dystrophy-dystroglycanopathy (congenital with impaired intellectual development), type B, 2. Also called: Muscular dystrophy-dystroglycanopathy (congenital with intellectual disability), type B2; MUSCULAR DYSTROPHY, CONGENITAL, POMT2-RELATED. Identifiers: MedGen C3150416, MONDO:0013160, OMIM 613156.
Autosomal recessive limb-girdle muscular dystrophy type 2N. Also called: Muscular dystrophy-dystroglycanopathy (limb-girdle), type C, 2; MUSCULAR DYSTROPHY-DYSTROGLYCANOPATHY, LIMB-GIRDLE, POMT2-RELATED. Identifiers: Orphanet 206559, MedGen C3150418, MONDO:0013162, OMIM 613158.

Allele frequency attached by ClinVar (database versions not stated): ExAC 0.00007; ESP Exome Variant Server 0.00008; gnomAD exomes 0.00009 and 0.00013; gnomAD 0.00011 and 0.00013; TOPMed 0.00013; 1000 Genomes Project 30x 0.00016; 1000 Genomes Project 0.00020.
gnomAD v4.1: 208 of 1,613,652 alleles (0.013%); highest among the groups gnomAD compares: Middle Eastern, 0.017%; 1 homozygote.

Submissions (8):

Ambry Genetics
Classification: Uncertain significance for Inborn genetic diseases. Last evaluated: 2025-02-12. Review status: criteria provided, single submitter. Criteria: Ambry Variant Classification Scheme 2023. Collection method: clinical testing. Allele origin: germline.

Labcorp Genetics (formerly Invitae), Labcorp
Classification: Uncertain significance for Muscular dystrophy-dystroglycanopathy (congenital with impaired intellectual development), type B, 2; Muscular dystrophy-dystroglycanopathy (congenital with brain and eye anomalies), type A2; Autosomal recessive limb-girdle muscular dystrophy type 2N. Last evaluated: 2024-11-28. Review status: criteria provided, single submitter. Criteria: Invitae Variant Classification Sherloc (09022015). Collection method: clinical testing. Allele origin: germline.
Comment: This sequence change replaces lysine, which is basic and polar, with arginine, which is basic and polar, at codon 417 of the POMT2 protein (p.Lys417Arg). This variant is present in population databases (rs147268052, gnomAD 0.02%). This variant has not been reported in the literature in individuals affected with POMT2-related conditions. ClinVar contains an entry for this variant (Variation ID: 260291). Invitae Evidence Modeling of protein sequence and biophysical properties (such as structural, functional, and spatial information, amino acid conservation, physicochemical variation, residue mobility, and thermodynamic stability) indicates that this missense variant is not expected to disrupt POMT2 protein function with a negative predictive value of 95%. In summary, the available evidence is currently insufficient to determine the role of this variant in disease. Therefore, it has been classified as a Variant of Uncertain Significance.

Blueprint Genetics
Classification: Uncertain significance. Last evaluated: 2024-11-22. Review status: criteria provided, single submitter. Criteria: ACMG Guidelines, 2015. Collection method: clinical testing. Allele origin: germline.

GeneDx
Classification: Uncertain significance. Last evaluated: 2022-11-30. Review status: criteria provided, single submitter. Criteria: GeneDx Variant Classification Process June 2021. Collection method: clinical testing. Allele origin: germline. Affected: yes.
Comment: In silico analysis supports that this missense variant does not alter protein structure/function; Has not been previously published as pathogenic or benign to our knowledge

Revvity Omics, Revvity
Classification: Uncertain significance. Last evaluated: 2021-04-16. Review status: criteria provided, single submitter. Criteria: ACMG Guidelines, 2015. Collection method: clinical testing. Allele origin: germline.

Illumina Laboratory Services, Illumina
Classification: Uncertain significance for Autosomal recessive limb-girdle muscular dystrophy type 2N. Last evaluated: 2018-01-13. Review status: criteria provided, single submitter. Criteria: ICSL Variant Classification Criteria 13 December 2019. Collection method: clinical testing. Allele origin: germline.

CeGaT Center for Human Genetics Tuebingen
Classification: Uncertain significance. Last evaluated: 2018-01-01. Review status: criteria provided, single submitter. Criteria: CeGaT Center For Human Genetics Tuebingen Variant Classification Criteria Version 2. Collection method: clinical testing. Allele origin: germline. Affected: yes. Observed: 1 variant allele.

PreventionGenetics, part of Exact Sciences
Classification: Likely benign. Review status: criteria provided, single submitter. Criteria: ACMG Guidelines, 2015. Collection method: clinical testing. Allele origin: germline.